The following is an entry in ClinVar:

NM_020832.3(ZNF687):c.2227del (p.Leu743fs)

Gene: ZNF687 (zinc finger protein 687; plus strand). Cytogenetic location: 1q21.3.
Variant type: Deletion.
Coding change: c.2227del on transcript NM_020832.3 (MANE Select); coding-DNA position 2227, one base deleted (C; older notation c.2227delC).
Protein change: p.Leu743fs; shifts the reading frame from leucine 743.
Molecular consequence: frameshift variant.
Genome position (GRCh38, 1-based): chr1:151,288,639, C deleted; the last of 2 consecutive C bases (chr1:151,288,638-151,288,639); deleting either gives the same sequence. VCF-style (leftmost placement, unchanged base first): chr1-151288637-TC-T. GRCh37 (hg19) VCF-style: chr1-151261113-TC-T.
Other names: c.2227del, p.Leu743fs (NM_001304763.2, NM_001304764.2); short protein forms L743fs.
Identifiers: ClinVar variation 2020022 (VCV002020022.4), dbSNP rs2528517924, ClinGen allele CA2580061004.

ClinVar aggregate classification (germline): Uncertain significance (1 of 4 stars; one submission).

Submission:

Labcorp Genetics (formerly Invitae), Labcorp
Classification: Uncertain significance. Last evaluated: 2022-08-31. Review status: criteria provided, single submitter. Criteria: Invitae Variant Classification Sherloc (09022015). Collection method: clinical testing. Allele origin: germline.
Comment: This sequence change creates a premature translational stop signal (p.Leu743Cysfs*20) in the ZNF687 gene. It is expected to result in an absent or disrupted protein product. However, the current clinical and genetic evidence is not sufficient to establish whether loss-of-function variants in ZNF687 cause disease. In summary, the available evidence is currently insufficient to determine the role of this variant in disease. Therefore, it has been classified as a Variant of Uncertain Significance. This variant has not been reported in the literature in individuals affected with ZNF687-related conditions. This variant is not present in population databases (gnomAD no frequency).